The following is an entry in ClinVar:

NM_014049.5(ACAD9):c.1231C>G (p.Pro411Ala)

Gene: ACAD9 (acyl-CoA dehydrogenase family member 9; plus strand). Cytogenetic location: 3q21.3.
Variant type: single nucleotide variant.
Coding change: c.1231C>G on transcript NM_014049.5 (MANE Select); coding-DNA position 1231, C replaced by G.
Protein change: p.Pro411Ala; replaces proline 411 with alanine.
Molecular consequence: missense variant. On other transcripts: non-coding transcript variant (1).
Genome position (GRCh38, 1-based): chr3:128,906,202, C>G. VCF-style: chr3-128906202-C-G. GRCh37 (hg19) VCF-style: chr3-128625045-C-G.
Other names: c.862C>G, p.Pro288Ala (NM_001410805.1); short protein forms P411A, P288A.
Identifiers: ClinVar variation 4709315 (VCV004709315.1).

ClinVar aggregate classification (germline): Uncertain significance (1 of 4 stars; one submission).

gnomAD v4.1: 2 of 1,614,206 alleles (0.00012%); highest among the groups gnomAD compares: Non-Finnish European, 0.00017%; no homozygotes.

Submission:

Labcorp Genetics (formerly Invitae), Labcorp
Classification: Uncertain significance. Last evaluated: 2025-03-25. Review status: criteria provided, single submitter. Criteria: Invitae Variant Classification Sherloc (09022015). Collection method: clinical testing. Allele origin: germline.
Comment: This sequence change replaces proline, which is neutral and non-polar, with alanine, which is neutral and non-polar, at codon 411 of the ACAD9 protein (p.Pro411Ala). This variant is not present in population databases (gnomAD no frequency). This variant has not been reported in the literature in individuals affected with ACAD9-related conditions. Invitae Evidence Modeling of protein sequence and biophysical properties (such as structural, functional, and spatial information, amino acid conservation, physicochemical variation, residue mobility, and thermodynamic stability) indicates that this missense variant is not expected to disrupt ACAD9 protein function with a negative predictive value of 80%. In summary, the available evidence is currently insufficient to determine the role of this variant in disease. Therefore, it has been classified as a Variant of Uncertain Significance.